The following is an entry in ClinVar:

NM_017654.4(SAMD9):c.4532T>C (p.Leu1511Ser)

Gene: SAMD9 (sterile alpha motif domain containing 9; minus strand). Cytogenetic location: 7q21.2.
Variant type: single nucleotide variant.
Coding change: c.4532T>C on transcript NM_017654.4 (MANE Select); coding-DNA position 4532, T replaced by C.
Protein change: p.Leu1511Ser; replaces leucine 1511 with serine.
Molecular consequence: missense variant.
Genome position (GRCh38, 1-based): chr7:93,101,566, A>G on the plus strand (T>C on the coding strand, the complement: SAMD9 is on the minus strand). VCF-style: chr7-93101566-A-G. GRCh37 (hg19) VCF-style: chr7-92730879-A-G.
Other names: c.4532T>C, p.Leu1511Ser (NM_001193307.2); short protein forms L1511S.
Identifiers: ClinVar variation 1805947 (VCV001805947.3), dbSNP rs2535353132, ClinGen allele CA368178129.

ClinVar aggregate classification (germline): Likely pathogenic. Review status: criteria provided, multiple submitters, no conflicts (2 of 4 stars). 2 submissions from 2 submitters: Likely pathogenic (2). Last evaluated 2024-08-27.

Conditions:
Monosomy 7 myelodysplasia and leukemia syndrome 2. Identifiers: MedGen C5436668, MONDO:0030801, OMIM 619041.
Hereditary cancer-predisposing syndrome. Also called: Neoplastic Syndromes, Hereditary; Hereditary neoplastic syndrome; Hereditary Cancer Syndrome; Tumor predisposition. Identifiers: Orphanet 140162, MedGen C0027672, MeSH D009386, MONDO:0015356.

Submissions (2):

Molecular Pathology, Peter Maccallum Cancer Centre
Classification: Likely pathogenic for Hereditary cancer-predisposing syndrome. Last evaluated: 2024-08-27. Review status: criteria provided, single submitter. Criteria: ACMG Guidelines, 2015. Collection method: clinical testing. Allele origin: germline.

Victorian Clinical Genetics Services, Murdoch Childrens Research Institute
Classification: Likely pathogenic for Monosomy 7 myelodysplasia and leukemia syndrome 2. Last evaluated: 2023-07-17. Review status: criteria provided, single submitter. Criteria: ACMG Guidelines, 2015. Collection method: clinical testing. Allele origin: germline. Inheritance: Autosomal dominant inheritance. Affected: yes.
Comment: Based on the classification scheme VCGS_Germline_v1.3.4, this variant is classified as Likely pathogenic. Following criteria are met: 0101 - Gain of function is a known mechanism of disease in this gene and is associated with MIRAGE syndrome (MIM#617053) (PMID: 33237688). Monosomy 7 myelodysplasia and leukemia syndrome 2 (MIM#619041) is the result of a somatic compensatory mechanism, reversing the germline gain of function (PMID: 34621053). (I) 0107 - This gene is associated with autosomal dominant disease. (I) 0112 - The condition associated with this gene has incomplete penetrance (PMID: 34621053). (I) 0115 - Variants in this gene are known to have variable expressivity (PMID: 34621053). (I) 0200 - Variant is predicted to result in a missense amino acid change from leucine to serine. (I) 0251 - This variant is heterozygous. (I) 0301 - Variant is absent from gnomAD (both v2 and v3). (SP) 0502 - Missense variant with conflicting in silico predictions and uninformative conservation. (I) 0604 - Variant is not located in an established domain, motif, hotspot or informative constraint region. (I) 0705 - No comparable missense variants have previous evidence for pathogenicity. (I) 0807 - This variant has no previous evidence of pathogenicity. (I) 0905 - No published segregation evidence has been identified for this variant. (I) 1007 - No published functional evidence has been identified for this variant. (I) 1102 - Strong phenotype match for this individual. (SP) Legend: (SP) - Supporting pathogenic, (I) - Information, (SB) - Supporting benign

Literature cited by the submitters: PubMed 33237688 (cited by Victorian Clinical Genetics Services, Murdoch Childrens Research Institute); PubMed 34621053 (cited by Victorian Clinical Genetics Services, Murdoch Childrens Research Institute).